The following is an entry in ClinVar:

NM_001844.5(COL2A1):c.3063del (p.Val1022fs)

Gene: COL2A1 (collagen type II alpha 1 chain; minus strand). Cytogenetic location: 12q13.11.
Variant type: Deletion.
Coding change: c.3063del on transcript NM_001844.5 (MANE Select); coding-DNA position 3063, one base deleted (C; older notation c.3063delC).
Protein change: p.Val1022fs; shifts the reading frame from valine 1022.
Molecular consequence: frameshift variant.
Genome position (GRCh38, 1-based): chr12:47,978,058, G deleted on the plus strand (C on the coding strand, the reverse complement: COL2A1 is on the minus strand); the first of 4 consecutive G bases (chr12:47,978,058-47,978,061); deleting any one gives the same sequence. VCF-style (leftmost placement, unchanged base first): chr12-47978057-CG-C. GRCh37 (hg19) VCF-style: chr12-48371840-CG-C.
Other names: c.2856del, p.Val953fs (NM_033150.3); short protein forms V953fs, V1022fs.
Identifiers: ClinVar variation 1358892 (VCV001358892.6), dbSNP rs2136525034, ClinGen allele CA2573148627.

ClinVar aggregate classification (germline): Pathogenic (1 of 4 stars; one submission).

Submission:

Labcorp Genetics (formerly Invitae), Labcorp
Classification: Pathogenic. Last evaluated: 2023-07-29. Review status: criteria provided, single submitter. Criteria: Invitae Variant Classification Sherloc (09022015). Collection method: clinical testing. Allele origin: germline.
Comment: This sequence change creates a premature translational stop signal (p.Val1022Trpfs*6) in the COL2A1 gene. It is expected to result in an absent or disrupted protein product. Loss-of-function variants in COL2A1 are known to be pathogenic (PMID: 20179744). This variant is not present in population databases (gnomAD no frequency). This variant has not been reported in the literature in individuals affected with COL2A1-related conditions. ClinVar contains an entry for this variant (Variation ID: 1358892). For these reasons, this variant has been classified as Pathogenic.

Literature cited by the submitters: PubMed 20179744.